The following is an entry in ClinVar:

NM_006915.3(RP2):c.519_520insGTTA (p.Ile174fs)

Gene: RP2 (RP2 activator of ARL3 GTPase; plus strand). Cytogenetic location: Xp11.3.
Variant type: Insertion.
Coding change: c.519_520insGTTA on transcript NM_006915.3 (MANE Select); coding-DNA positions 519 to 520, GTTA inserted.
Protein change: p.Ile174fs; shifts the reading frame from isoleucine 174.
Molecular consequence: frameshift variant.
Genome position: GRCh38 VCF-style: chrX-46853892-C-CGTTA. GRCh37 (hg19) VCF-style: chrX-46713327-C-CGTTA.
Other names: short protein forms I174fs.
Identifiers: ClinVar variation 1076306 (VCV001076306.7), dbSNP rs2147081421, ClinGen allele CA2499226732.

ClinVar aggregate classification (germline): Pathogenic (1 of 4 stars; one submission).

Submission:

Labcorp Genetics (formerly Invitae), Labcorp
Classification: Pathogenic. Last evaluated: 2020-06-11. Review status: criteria provided, single submitter. Criteria: Invitae Variant Classification Sherloc (09022015). Collection method: clinical testing. Allele origin: germline.
Comment: This variant has not been reported in the literature in individuals with RP2-related conditions. For these reasons, this variant has been classified as Pathogenic. Loss-of-function variants in RP2 are known to be pathogenic (PMID: 11992260, 20625056). This variant is not present in population databases (ExAC no frequency). This sequence change creates a premature translational stop signal (p.Ile174Valfs*4) in the RP2 gene. It is expected to result in an absent or disrupted protein product.

Literature cited by the submitters: PubMed 11992260; PubMed 20625056.